The following is an entry in ClinVar:

ClinVar aggregate classification (germline): Conflicting classifications of pathogenicity. Review status: criteria provided, conflicting classifications (1 of 4 stars). 3 submissions from 3 submitters: Pathogenic (1); Benign (1). 1 of the submissions does not count toward it. Last evaluated 2025-09-01.

Conditions:
JAG2-related disorder. Also called: JAG2-related condition.
Orofacial cleft 1 (OFC1). Also called: CLEFT LIP WITH OR WITHOUT CLEFT PALATE, NONSYNDROMIC, 1; OROFACIAL CLEFT, NONSYNDROMIC; Nonsyndromic Cleft Lip/Palate. Identifiers: MedGen C1861537, MeSH C566121, MONDO:0007335, OMIM 119530.

Allele frequency attached by ClinVar (database versions not stated): gnomAD 0.01027; gnomAD exomes 0.00527; TOPMed 0.01438; 1000 Genomes Project 0.02616; ESP Exome Variant Server 0.00100; ExAC 0.01309; 1000 Genomes Project 30x 0.02717.
gnomAD v4.1: 9,231 of 1,612,174 alleles (0.57%); highest among the groups gnomAD compares: Admixed American, 8.8%; 387 homozygotes.

Submissions (3):

Genetics Research Group, Universidad San Francisco de Quito
Classification: Pathogenic for Orofacial cleft 1. Last evaluated: 2025-09-01. Review status: criteria provided, single submitter. Criteria: ACMG Guidelines, 2015. Collection method: research. Allele origin: germline. Inheritance: Oligogenic inheritance. Affected: yes. Observed: 1 compound heterozygote.
Comment: The JAG2 NM_002226.4:c.2063G>A (p.Arg688His) variant results in the substitution of a conserved arginine within the EGF-like calcium-binding domain, crucial for Notch receptor interaction. Structural modeling (AlphaFold ID: AF-Q9Y219-F1) indicates local destabilization and altered electrostatic potential, consistent with impaired ligand–receptor binding. In silico tools predict a damaging effect (PolyPhen-2 = 0.98; SIFT = deleterious; CADD PHRED = 33.1). The residue lies in a region essential for epithelial–mesenchymal signaling during craniofacial morphogenesis, and Jag2 disruption in animal models causes palatal fusion defects. Although rare in gnomAD (allele frequency ≈ 9 × 10⁻⁴), this level remains compatible with reduced-penetrance disorders. Applying ACMG/AMP criteria (PS3-supporting, PM1, PM2-supporting, PP3, PP4), this variant is classified as pathogenic, particularly as a potential modifier in IRF6-related clefting phenotypes.

Mayo Clinic Laboratories, Mayo Clinic
Classification: Benign. Last evaluated: 2022-03-23. Review status: criteria provided, single submitter. Criteria: ACMG Guidelines, 2015. Collection method: clinical testing. Allele origin: germline. Observed: 8 variant alleles.

PreventionGenetics, part of Exact Sciences
Classification: Benign for JAG2-related condition. Last evaluated: 2019-08-08. Review status: no assertion criteria provided. Collection method: clinical testing. Allele origin: germline. Not counted in ClinVar's aggregate classification.
Comment: This variant is classified as benign based on ACMG/AMP sequence variant interpretation guidelines (Richards et al. 2015 PMID: 25741868, with internal and published modifications).

NM_002226.5(JAG2):c.2063G>A (p.Arg688His)

Gene: JAG2 (jagged canonical Notch ligand 2; minus strand). Cytogenetic location: 14q32.33.
Variant type: single nucleotide variant.
Coding change: c.2063G>A on transcript NM_002226.5 (MANE Select); coding-DNA position 2063, G replaced by A.
Protein change: p.Arg688His; replaces arginine 688 with histidine.
Molecular consequence: missense variant.
Genome position (GRCh38, 1-based): chr14:105,148,397, C>T on the plus strand (G>A on the coding strand, the complement: JAG2 is on the minus strand). VCF-style: chr14-105148397-C-T. GRCh37 (hg19) VCF-style: chr14-105614734-C-T.
Other names: p.Arg688His; c.1949G>A, p.Arg650His (NM_145159.3); short protein forms R650H, R688H.
Identifiers: ClinVar variation 3059314 (VCV003059314.4), dbSNP rs78154277, ClinGen allele CA7385742.